The following is an entry in ClinVar:

NM_002691.4(POLD1):c.449C>G (p.Thr150Ser)

Gene: POLD1 (DNA polymerase delta 1, catalytic subunit; plus strand). Cytogenetic location: 19q13.33.
Variant type: single nucleotide variant.
Coding change: c.449C>G on transcript NM_002691.4 (MANE Select); coding-DNA position 449, C replaced by G.
Protein change: p.Thr150Ser; replaces threonine 150 with serine.
Molecular consequence: missense variant. On other transcripts: non-coding transcript variant (1).
Genome position (GRCh38, 1-based): chr19:50,401,910, C>G. VCF-style: chr19-50401910-C-G. GRCh37 (hg19) VCF-style: chr19-50905167-C-G.
Other names: c.449C>G, p.Thr150Ser (NM_001256849.1, NM_001308632.1, NM_001438210.1 and 3 more transcripts); short protein forms T150S.
Identifiers: ClinVar variation 4668988 (VCV004668988.1).

ClinVar aggregate classification (germline): Uncertain significance (1 of 4 stars; one submission).

Conditions:
Hereditary cancer-predisposing syndrome. Also called: Neoplastic Syndromes, Hereditary; Tumor predisposition; Hereditary Cancer Syndrome; Hereditary neoplastic syndrome. Identifiers: Orphanet 140162, MedGen C0027672, MeSH D009386, MONDO:0015356.

Submission:

Ambry Genetics
Classification: Uncertain significance for Hereditary cancer-predisposing syndrome. Last evaluated: 2025-09-28. Review status: criteria provided, single submitter. Criteria: Ambry Variant Classification Scheme 2023. Collection method: clinical testing. Allele origin: germline.
Comment: The p.T150S variant (also known as c.449C>G), located in coding exon 3 of the POLD1 gene, results from a C to G substitution at nucleotide position 449. The threonine at codon 150 is replaced by serine, an amino acid with similar properties. This amino acid position is conserved. In addition, this alteration is predicted to be tolerated by in silico analysis. Based on the available evidence, the clinical significance of this variant remains unclear.